The following is an entry in ClinVar:

NM_022458.4(LMBR1):c.*685G>A

Gene: LMBR1 (limb development membrane protein 1; minus strand). Cytogenetic location: 7q36.3.
Variant type: single nucleotide variant.
Coding change: c.*685G>A on transcript NM_022458.4 (MANE Select); 685 bases downstream of the stop codon, G replaced by A.
Molecular consequence: 3 prime UTR variant. On other transcripts: non-coding transcript variant (2).
Genome position (GRCh38, 1-based): chr7:156,683,393, C>T on the plus strand (G>A on the coding strand, the complement: LMBR1 is on the minus strand). VCF-style: chr7-156683393-C-T. GRCh37 (hg19) VCF-style: chr7-156476087-C-T.
Other names: c.*685G>A (NM_001350953.2, NM_001350954.2, NM_001350955.2 and 8 more transcripts).
Identifiers: ClinVar variation 359407 (VCV000359407.5), dbSNP rs149399222, ClinGen allele CA10628541.

ClinVar aggregate classification (germline): Benign (1 of 4 stars; one submission).

Conditions:
Polydactyly of a triphalangeal thumb. Also called: POLYDACTYLY OF TRIPHALANGEAL THUMB; TRIPHALANGEAL THUMB-POLYDACTYLY SYNDROME; Polydactyly, preaxial type II. Identifiers: Orphanet 2439, Orphanet 2950, Orphanet 93336, MedGen C1868114, MONDO:0008270, OMIM 174500.

Allele frequency attached by ClinVar (database versions not stated): gnomAD exomes 0.00238; 1000 Genomes Project 0.00359; 1000 Genomes Project 30x 0.00390; gnomAD 0.00426 and 0.00439; TOPMed 0.00427.

Submission:

Illumina Laboratory Services, Illumina
Classification: Benign for Polydactyly of a triphalangeal thumb. Last evaluated: 2018-01-12. Review status: criteria provided, single submitter. Criteria: ICSL Variant Classification Criteria 13 December 2019. Collection method: clinical testing. Allele origin: germline.
Comment: This variant was observed in the ICSL laboratory as part of a predisposition screen in an ostensibly healthy population. It had not been previously curated by ICSL or reported in the Human Gene Mutation Database (HGMD: prior to June 1st, 2018), and was therefore a candidate for classification through an automated scoring system. Utilizing variant allele frequency, disease prevalence and penetrance estimates, and inheritance mode, an automated score was calculated to assess if this variant is too frequent to cause the disease. Based on the score and internal cut-off values, a variant classified as benign is not then subjected to further curation. The score for this variant resulted in a classification of benign for this disease.